The following is an entry in ClinVar:

NM_000368.5(TSC1):c.807C>A (p.Ala269=)

Gene: TSC1 (TSC complex subunit 1; minus strand). Cytogenetic location: 9q34.13.
Variant type: single nucleotide variant.
Coding change: c.807C>A on transcript NM_000368.5 (MANE Select); coding-DNA position 807, C replaced by A.
Protein change: p.Ala269=; no amino-acid change (alanine 269 retained).
Molecular consequence: synonymous variant. On other transcripts: 5 prime UTR variant (5), non-coding transcript variant (5).
Genome position (GRCh38, 1-based): chr9:132,912,388, G>T on the plus strand (C>A on the coding strand, the complement: TSC1 is on the minus strand). VCF-style: chr9-132912388-G-T. GRCh37 (hg19) VCF-style: chr9-135787775-G-T.
Other names: c.807C>A, p.Ala269= (NM_001162426.2, NM_001406592.1, NM_001406593.1 and 16 more transcripts); c.654C>A, p.Ala218= (NM_001162427.2, NM_001406610.1, NM_001406611.1 and 2 more transcripts); c.444C>A, p.Ala148= (NM_001362177.2, NM_001406614.1, NM_001406615.1 and 10 more transcripts); c.-145C>A (NM_001406626.1, NM_001406627.1, NM_001406628.1); c.-287C>A (NM_001406629.1, NM_001406630.1).
Identifiers: ClinVar variation 3360209 (VCV003360209.1).

ClinVar aggregate classification (germline): Uncertain significance (1 of 4 stars; one submission).

Submission:

GeneDx
Classification: Uncertain significance. Last evaluated: 2023-06-30. Review status: criteria provided, single submitter. Criteria: GeneDx Variant Classification Process June 2021. Collection method: clinical testing. Allele origin: germline. Affected: yes.
Comment: Not observed at significant frequency in large population cohorts (gnomAD); In silico analysis supports that this variant does not alter splicing; Has not been previously published as pathogenic or benign to our knowledge